The following is an entry in ClinVar:

NM_012233.3(RAB3GAP1):c.2463C>T (p.Phe821=)

Gene: RAB3GAP1 (RAB3 GTPase activating protein catalytic subunit 1; plus strand). Cytogenetic location: 2q21.3.
Variant type: single nucleotide variant.
Coding change: c.2463C>T on transcript NM_012233.3 (MANE Select); coding-DNA position 2463, C replaced by T.
Protein change: p.Phe821=; no amino-acid change (phenylalanine 821 retained).
Molecular consequence: synonymous variant.
Genome position (GRCh38, 1-based): chr2:135,162,824, C>T. VCF-style: chr2-135162824-C-T. GRCh37 (hg19) VCF-style: chr2-135920394-C-T.
Other names: p.Phe821=; c.2463C>T, p.Phe821= (NM_001172435.2).
Identifiers: ClinVar variation 130068 (VCV000130068.47), dbSNP rs61748693, ClinGen allele CA154842.
Genomic context (GRCh38, chr2:135,162,824, plus strand): 5'-TTCTTCAGTTAAGAAGATCATAAAGCAGATAATATCCCATTCCAGTAAAGTTTTGCACTT[C>T]CCCAATCCAGAAGACAAGAAATTGGAAGTAAGTTTGATGTAGTGTCAGAATCTTGCCAAG-3'
Protein context (NP_036365.1, residues 811-831): IISHSSKVLH[Phe821=]PNPEDKKLEE

ClinVar aggregate classification (germline): Benign/Likely benign. Review status: criteria provided, multiple submitters, no conflicts (2 of 4 stars). 9 submissions from 9 submitters: Benign (7); Likely benign (1). 1 of the submissions does not count toward it. Last evaluated 2026-09-01.

Conditions:
RAB3GAP1-related disorder. Also called: RAB3GAP1-related condition; RAB3GAP1-related disorders.
Warburg micro syndrome 1 (WARBM1). Identifiers: Orphanet 2510, MedGen C1838625, MONDO:0010822, OMIM 600118.

Allele frequency attached by ClinVar (database versions not stated): 1000 Genomes Project 30x 0.00375; 1000 Genomes Project 0.00419; ESP Exome Variant Server 0.00753; TOPMed 0.00800; gnomAD exomes 0.00805 and 0.00937; gnomAD 0.00817 and 0.00825; ExAC 0.00963.
gnomAD v4.1: 13,089 of 1,612,868 alleles (0.81%); highest among the groups gnomAD compares: Middle Eastern, 1.3%; 110 homozygotes.

Submissions (9):

CeGaT Center for Human Genetics Tuebingen
Classification: Likely benign. Last evaluated: 2026-09-01. Review status: criteria provided, single submitter. Criteria: CeGaT Center For Human Genetics Tuebingen Variant Classification Criteria Version 2. Collection method: clinical testing. Allele origin: germline. Affected: yes. Observed: 34 variant alleles.
Comment: RAB3GAP1: BP4, BP7, BS2

Labcorp Genetics (formerly Invitae), Labcorp
Classification: Benign. Last evaluated: 2026-02-01. Review status: criteria provided, single submitter. Criteria: Invitae Variant Classification Sherloc (09022015). Collection method: clinical testing. Allele origin: germline.

Mayo Clinic Laboratories, Mayo Clinic
Classification: Benign. Last evaluated: 2024-08-12. Review status: criteria provided, single submitter. Criteria: ACMG Guidelines, 2015. Collection method: clinical testing. Allele origin: germline. Observed: 15 variant alleles.
Comment: BA1, BS2, BP4, BP7

Athena Diagnostics
Classification: Benign. Last evaluated: 2024-07-30. Review status: criteria provided, single submitter. Criteria: Athena Diagnostics Criteria. Collection method: clinical testing. Allele origin: unknown.

Illumina Laboratory Services, Illumina
Classification: Benign for Warburg micro syndrome 1. Last evaluated: 2018-01-12. Review status: criteria provided, single submitter. Criteria: ICSL Variant Classification Criteria 13 December 2019. Collection method: clinical testing. Allele origin: germline.
Comment: This variant was observed in the ICSL laboratory as part of a predisposition screen in an ostensibly healthy population. It had not been previously curated by ICSL or reported in the Human Gene Mutation Database (HGMD: prior to June 1st, 2018), and was therefore a candidate for classification through an automated scoring system. Utilizing variant allele frequency, disease prevalence and penetrance estimates, and inheritance mode, an automated score was calculated to assess if this variant is too frequent to cause the disease. Based on the score and internal cut-off values, a variant classified as benign is not then subjected to further curation. The score for this variant resulted in a classification of benign for this disease.

Genetic Services Laboratory, University of Chicago
Classification: Benign. Last evaluated: 2015-06-24. Review status: criteria provided, single submitter. Criteria: ACMG Guidelines, 2015. Collection method: clinical testing. Allele origin: germline.

GeneDx
Classification: Benign. Last evaluated: 2015-04-08. Review status: criteria provided, single submitter. Criteria: GeneDx Variant Classification (06012015). Collection method: clinical testing. Allele origin: germline. Affected: yes.
Comment: This variant is considered likely benign or benign based on one or more of the following criteria: it is a conservative change, it occurs at a poorly conserved position in the protein, it is predicted to be benign by multiple in silico algorithms, and/or has population frequency not consistent with disease.

Breakthrough Genomics
Classification: Benign. Review status: criteria provided, single submitter. Criteria: ACMG Guidelines, 2015. Collection method: not provided. Allele origin: germline. Inheritance: Autosomal recessive inheritance. Affected: yes.

PreventionGenetics, part of Exact Sciences
Classification: Benign for RAB3GAP1-related condition. Last evaluated: 2024-04-16. Review status: no assertion criteria provided. Collection method: clinical testing. Allele origin: germline. Not counted in ClinVar's aggregate classification.
Comment: This variant is classified as benign based on ACMG/AMP sequence variant interpretation guidelines (Richards et al. 2015 PMID: 25741868, with internal and published modifications).

Literature cited by the submitters: PubMed 32651314 (cited by Athena Diagnostics).